The following is an entry in ClinVar:

ClinVar aggregate classification (germline): Uncertain significance (1 of 4 stars; one submission).

Conditions:
Kleefstra syndrome 1 (KLEFS1). Identifiers: Orphanet 261494, MedGen C0795833, MONDO:0027407, OMIM 610253.

Submission:

Labcorp Genetics (formerly Invitae), Labcorp
Classification: Uncertain significance for Kleefstra syndrome 1. Last evaluated: 2023-11-02. Review status: criteria provided, single submitter. Criteria: Invitae Variant Classification Sherloc (09022015). Collection method: clinical testing. Allele origin: germline.
Comment: This sequence change replaces alanine, which is neutral and non-polar, with serine, which is neutral and polar, at codon 196 of the EHMT1 protein (p.Ala196Ser). This variant is not present in population databases (gnomAD no frequency). This variant has not been reported in the literature in individuals affected with EHMT1-related conditions. Advanced modeling of protein sequence and biophysical properties (such as structural, functional, and spatial information, amino acid conservation, physicochemical variation, residue mobility, and thermodynamic stability) performed at Invitae indicates that this missense variant is not expected to disrupt EHMT1 protein function with a negative predictive value of 80%. In summary, the available evidence is currently insufficient to determine the role of this variant in disease. Therefore, it has been classified as a Variant of Uncertain Significance.

NM_024757.5(EHMT1):c.586G>T (p.Ala196Ser)

Gene: EHMT1 (euchromatic histone lysine methyltransferase 1; plus strand). Cytogenetic location: 9q34.3.
Variant type: single nucleotide variant.
Coding change: c.586G>T on transcript NM_024757.5 (MANE Select); coding-DNA position 586, G replaced by T.
Protein change: p.Ala196Ser; replaces alanine 196 with serine.
Molecular consequence: missense variant.
Genome position (GRCh38, 1-based): chr9:137,717,126, G>T. VCF-style: chr9-137717126-G-T. GRCh37 (hg19) VCF-style: chr9-140611578-G-T.
Other names: c.586G>T, p.Ala196Ser (NM_001145527.2, NM_001354263.2, NM_001354611.2); c.493G>T, p.Ala165Ser (NM_001354259.2, NM_001354612.2); short protein forms A165S, A196S.
Identifiers: ClinVar variation 2692702 (VCV002692702.3), dbSNP rs768398355, ClinGen allele CA375766158.